The following is an entry in ClinVar:

NM_017837.4(PIGV):c.346C>T (p.Leu116=)

Gene: PIGV (phosphatidylinositol glycan anchor biosynthesis class V; plus strand). Cytogenetic location: 1p36.11.
Variant type: single nucleotide variant.
Coding change: c.346C>T on transcript NM_017837.4 (MANE Select); coding-DNA position 346, C replaced by T.
Protein change: p.Leu116=; no amino-acid change (leucine 116 retained).
Molecular consequence: synonymous variant. On other transcripts: 5 prime UTR variant (1), non-coding transcript variant (1), intron variant (3).
Genome position (GRCh38, 1-based): chr1:26,794,380, C>T. VCF-style: chr1-26794380-C-T. GRCh37 (hg19) VCF-style: chr1-27120871-C-T.
Other names: c.346C>T, p.Leu116= (NM_001202554.2, NM_001374478.1, NM_001374480.1 and 2 more transcripts); c.-36C>T (NM_001374483.1); c.172+174C>T (NM_001374484.1, NM_001374485.1); c.79-3183C>T (NM_001374486.1).
Identifiers: ClinVar variation 518186 (VCV000518186.25), dbSNP rs149582139, ClinGen allele CA708041.
Genomic context (GRCh38, chr1:26,794,380, plus strand): 5'-CTGGTGGGGACTGAACTGTTGAGACCCTTACGGGGGTTACTGAGTCTACGCAGTTGCCTG[C>T]TGATTTCGGTAGCATCACTCAATTTCTTGTTCTTCATGTTGGCTGCAGTTGCACTTCATG-3'
Protein context (NP_060307.2, residues 106-126): RGLLSLRSCL[Leu116=]ISVASLNFLF

ClinVar aggregate classification (germline): Likely benign. Review status: criteria provided, multiple submitters, no conflicts (2 of 4 stars). 3 submissions from 3 submitters: Likely benign (3). Last evaluated 2024-07-01.

Allele frequency attached by ClinVar (database versions not stated): ExAC 0.00001; gnomAD exomes 0.00001 and 0.00002; gnomAD 0.00002; TOPMed 0.00002; ESP Exome Variant Server 0.00008.
gnomAD v4.1: 38 of 1,614,140 alleles (0.0024%); highest among the groups gnomAD compares: Non-Finnish European, 0.0031%; no homozygotes.

Submissions (3):

CeGaT Center for Human Genetics Tuebingen
Classification: Likely benign. Last evaluated: 2024-07-01. Review status: criteria provided, single submitter. Criteria: CeGaT Center For Human Genetics Tuebingen Variant Classification Criteria Version 2. Collection method: clinical testing. Allele origin: germline. Affected: yes. Observed: 1 variant allele.
Comment: PIGV: BP4, BP7

Labcorp Genetics (formerly Invitae), Labcorp
Classification: Likely benign. Last evaluated: 2022-06-20. Review status: criteria provided, single submitter. Criteria: Invitae Variant Classification Sherloc (09022015). Collection method: clinical testing. Allele origin: germline.

GeneDx
Classification: Likely benign. Last evaluated: 2018-01-12. Review status: criteria provided, single submitter. Criteria: GeneDx Variant Classification (06012015). Collection method: clinical testing. Allele origin: germline. Affected: yes.
Comment: This variant is considered likely benign or benign based on one or more of the following criteria: it is a conservative change, it occurs at a poorly conserved position in the protein, it is predicted to be benign by multiple in silico algorithms, and/or has population frequency not consistent with disease.